The following is an entry in ClinVar:

NM_177986.5(DSG4):c.2442C>T (p.Pro814=)

Genes: DSG4 (desmoglein 4; plus strand), DSG1-AS1 (DSG1 antisense RNA 1; minus strand). Cytogenetic location: 18q12.1.
Variant type: single nucleotide variant.
Coding change: c.2442C>T on transcript NM_177986.5 (MANE Select); coding-DNA position 2442, C replaced by T.
Protein change: p.Pro814=; no amino-acid change (proline 814 retained).
Molecular consequence: synonymous variant.
Genome position (GRCh38, 1-based): chr18:31,412,914, C>T. VCF-style: chr18-31412914-C-T. GRCh37 (hg19) VCF-style: chr18-28992877-C-T.
Other names: c.2499C>T, p.Pro833= (NM_001134453.3).
Identifiers: ClinVar variation 326447 (VCV000326447.14), dbSNP rs73410297, ClinGen allele CA8927343.
Genomic context (GRCh38, chr18:31,412,914, plus strand): 5'-TGAAGGTCGACCAGCCAATGACTGCTTGCTCATTTATGACCACGAGGGAGTCGGGTCTCC[C>T]GTAGGCTCTATTGGTTGTTGCAGTTGGATTGTGGATGACTTAGATGAAAGCTGCATGGAA-3'
Protein context (NP_817123.1, residues 804-824): LIYDHEGVGS[Pro814=]VGSIGCCSWI

ClinVar aggregate classification (germline): Benign/Likely benign. Review status: criteria provided, multiple submitters, no conflicts (2 of 4 stars). 3 submissions from 3 submitters: Benign (1); Likely benign (2). Last evaluated 2026-01-28.

Conditions:
Hypotrichosis 6 (HYPT6). Also called: HYPOTRICHOSIS, LOCALIZED, AUTOSOMAL RECESSIVE 1; MONILETHRIX-LIKE HYPOTRICHOSIS. Identifiers: Orphanet 55654, MedGen C1842839, MONDO:0011932, OMIM 607903.

Allele frequency attached by ClinVar (database versions not stated): ExAC 0.00254; gnomAD 0.00844 and 0.00911; ESP Exome Variant Server 0.00846; TOPMed 0.00949; 1000 Genomes Project 0.00998; 1000 Genomes Project 30x 0.01077.
gnomAD v4.1: 2,513 of 1,614,112 alleles (0.16%); highest among the groups gnomAD compares: African/African-American, 2.9%; 26 homozygotes.

Submissions (3):

Labcorp Genetics (formerly Invitae), Labcorp
Classification: Benign. Last evaluated: 2026-01-28. Review status: criteria provided, single submitter. Criteria: Invitae Variant Classification Sherloc (09022015). Collection method: clinical testing. Allele origin: germline.

Illumina Laboratory Services, Illumina
Classification: Likely benign for Hypotrichosis 6. Last evaluated: 2018-01-12. Review status: criteria provided, single submitter. Criteria: ICSL Variant Classification Criteria 13 December 2019. Collection method: clinical testing. Allele origin: germline.
Comment: This variant was observed in the ICSL laboratory as part of a predisposition screen in an ostensibly healthy population. It had not been previously curated by ICSL or reported in the Human Gene Mutation Database (HGMD: prior to June 1st, 2018), and was therefore a candidate for classification through an automated scoring system. Utilizing variant allele frequency, disease prevalence and penetrance estimates, and inheritance mode, an automated score was calculated to assess if this variant is too frequent to cause the disease. Based on the score and internal cut-off values, a variant classified as likely benign is not then subjected to further curation. The score for this variant resulted in a classification of likely benign for this disease.

Breakthrough Genomics
Classification: Likely benign. Review status: criteria provided, single submitter. Criteria: ACMG Guidelines, 2015. Collection method: not provided. Allele origin: germline. Inheritance: Autosomal recessive inheritance. Affected: yes.